The following is an entry in ClinVar:

ClinVar aggregate classification (germline): Uncertain significance. Review status: criteria provided, multiple submitters, no conflicts (2 of 4 stars). 2 submissions from 2 submitters: Uncertain significance (2). Last evaluated 2023-11-27.

Conditions:
Hypertrophic cardiomyopathy 10. Also called: MYL2-Related Familial Hypertrophic Cardiomyopathy; CARDIOMYOPATHY, HYPERTROPHIC, MID-LEFT VENTRICULAR CHAMBER TYPE, 2. Identifiers: MedGen C1834460, MONDO:0012112, OMIM 608758.
Cardiovascular phenotype. Identifiers: MedGen CN230736.

Allele frequency attached by ClinVar (database versions not stated): TOPMed below 0.00001.

Submissions (2):

Labcorp Genetics (formerly Invitae), Labcorp
Classification: Uncertain significance for Hypertrophic cardiomyopathy 10. Last evaluated: 2023-11-27. Review status: criteria provided, single submitter. Criteria: Invitae Variant Classification Sherloc (09022015). Collection method: clinical testing. Allele origin: germline.
Comment: This sequence change replaces isoleucine, which is neutral and non-polar, with threonine, which is neutral and polar, at codon 159 of the MYL2 protein (p.Ile159Thr). This variant is not present in population databases (gnomAD no frequency). This variant has not been reported in the literature in individuals affected with MYL2-related conditions. ClinVar contains an entry for this variant (Variation ID: 1742964). An algorithm developed to predict the effect of missense changes on protein structure and function (PolyPhen-2) suggests that this variant is likely to be disruptive. In summary, the available evidence is currently insufficient to determine the role of this variant in disease. Therefore, it has been classified as a Variant of Uncertain Significance.

Ambry Genetics
Classification: Uncertain significance for Cardiovascular phenotype. Last evaluated: 2019-02-19. Review status: criteria provided, single submitter. Criteria: Ambry Variant Classification Scheme 2023. Collection method: clinical testing. Allele origin: germline.
Comment: The p.I159T variant (also known as c.476T>C), located in coding exon 7 of the MYL2 gene, results from a T to C substitution at nucleotide position 476. The isoleucine at codon 159 is replaced by threonine, an amino acid with similar properties. This amino acid position is highly conserved in available vertebrate species. In addition, this alteration is predicted to be deleterious by in silico analysis. Since supporting evidence is limited at this time, the clinical significance of this alteration remains unclear.

NM_000432.4(MYL2):c.476T>C (p.Ile159Thr)

Gene: MYL2 (myosin light chain 2; minus strand). Cytogenetic location: 12q24.11.
Variant type: single nucleotide variant.
Coding change: c.476T>C on transcript NM_000432.4 (MANE Select); coding-DNA position 476, T replaced by C.
Protein change: p.Ile159Thr; replaces isoleucine 159 with threonine.
Molecular consequence: missense variant.
Genome position (GRCh38, 1-based): chr12:110,911,102, A>G on the plus strand (T>C on the coding strand, the complement: MYL2 is on the minus strand). VCF-style: chr12-110911102-A-G. GRCh37 (hg19) VCF-style: chr12-111348906-A-G.
Other names: c.434T>C, p.Ile145Thr (NM_001406745.1, NM_001406746.1); c.419T>C, p.Ile140Thr (NM_001406916.1); short protein forms I159T, I140T, I145T.
Identifiers: ClinVar variation 1742964 (VCV001742964.7), dbSNP rs1475634829, ClinGen allele CA386696731.